The following is an entry in ClinVar:

NM_030912.3(TRIM8):c.218A>G (p.Asn73Ser)

Genes: TRIM8 (tripartite motif containing 8; plus strand), LOC130004618 (ATAC-STARR-seq lymphoblastoid active region 3941; plus strand). Cytogenetic location: 10q24.32.
Variant type: single nucleotide variant.
Coding change: c.218A>G on transcript NM_030912.3 (MANE Select); coding-DNA position 218, A replaced by G.
Protein change: p.Asn73Ser; replaces asparagine 73 with serine.
Molecular consequence: missense variant. On other transcripts: non-coding transcript variant (1).
Genome position (GRCh38, 1-based): chr10:102,644,835, A>G. VCF-style: chr10-102644835-A-G. GRCh37 (hg19) VCF-style: chr10-104404592-A-G.
Other names: c.218A>G, p.Asn73Ser (NM_001345950.1); short protein forms N73S.
Identifiers: ClinVar variation 3005459 (VCV003005459.3), dbSNP rs1037784440, ClinGen allele CA212260138.

ClinVar aggregate classification (germline): Uncertain significance (1 of 4 stars; one submission).

Allele frequency attached by ClinVar (database versions not stated): gnomAD exomes below 0.00001; TOPMed below 0.00001.
gnomAD v4.1: 2 of 1,612,900 alleles (0.00012%); highest among the groups gnomAD compares: Admixed American, 0.0033%; no homozygotes.

Submission:

Labcorp Genetics (formerly Invitae), Labcorp
Classification: Uncertain significance. Last evaluated: 2023-01-01. Review status: criteria provided, single submitter. Criteria: Invitae Variant Classification Sherloc (09022015). Collection method: clinical testing. Allele origin: germline.
Comment: This sequence change replaces asparagine, which is neutral and polar, with serine, which is neutral and polar, at codon 73 of the TRIM8 protein (p.Asn73Ser). This variant is present in population databases (no rsID available, gnomAD 0.003%). This variant has not been reported in the literature in individuals affected with TRIM8-related conditions. Algorithms developed to predict the effect of missense changes on protein structure and function (SIFT, PolyPhen-2, Align-GVGD) all suggest that this variant is likely to be disruptive. In summary, the available evidence is currently insufficient to determine the role of this variant in disease. Therefore, it has been classified as a Variant of Uncertain Significance.